The following is an entry in ClinVar:

ClinVar aggregate classification (germline): Uncertain significance. Review status: criteria provided, multiple submitters, no conflicts (2 of 4 stars). 2 submissions from 2 submitters: Uncertain significance (2). Last evaluated 2023-05-21.

Conditions:
Mitochondrial DNA deletion syndrome with progressive myopathy. Also called: PROGRESSIVE EXTERNAL OPHTHALMOPLEGIA, AUTOSOMAL DOMINANT 6; Progressive external ophthalmoplegia with mitochondrial DNA deletions, autosomal dominant 6. Identifiers: Orphanet 352470, MedGen C3554599, MONDO:0014062, OMIM 615156.

Allele frequency attached by ClinVar (database versions not stated): gnomAD exomes 0.00001.
gnomAD v4.1: 16 of 1,612,896 alleles (0.00099%); highest among the groups gnomAD compares: Non-Finnish European, 0.0014%; no homozygotes.

Submissions (2):

Labcorp Genetics (formerly Invitae), Labcorp
Classification: Uncertain significance. Last evaluated: 2023-05-21. Review status: criteria provided, single submitter. Criteria: Invitae Variant Classification Sherloc (09022015). Collection method: clinical testing. Allele origin: germline.
Comment: ClinVar contains an entry for this variant (Variation ID: 1698835). In summary, the available evidence is currently insufficient to determine the role of this variant in disease. Therefore, it has been classified as a Variant of Uncertain Significance. Algorithms developed to predict the effect of sequence changes on RNA splicing suggest that this variant may create or strengthen a splice site. Advanced modeling of protein sequence and biophysical properties (such as structural, functional, and spatial information, amino acid conservation, physicochemical variation, residue mobility, and thermodynamic stability) has been performed at Invitae for this missense variant, however the output from this modeling did not meet the statistical confidence thresholds required to predict the impact of this variant on DNA2 protein function. This variant has not been reported in the literature in individuals affected with DNA2-related conditions. This variant is not present in population databases (gnomAD no frequency). This sequence change replaces tyrosine, which is neutral and polar, with histidine, which is basic and polar, at codon 405 of the DNA2 protein (p.Tyr405His).

Genetics and Molecular Pathology, SA Pathology
Classification: Uncertain significance for Mitochondrial DNA deletion syndrome with progressive myopathy. Last evaluated: 2022-05-31. Review status: criteria provided, single submitter. Criteria: ACMG Guidelines, 2015. Collection method: clinical testing. Allele origin: germline. Inheritance: Autosomal dominant inheritance. Affected: yes.

NM_001080449.3(DNA2):c.1213T>C (p.Tyr405His)

Gene: DNA2 (DNA replication helicase/nuclease 2; minus strand). Cytogenetic location: 10q21.3.
Variant type: single nucleotide variant.
Coding change: c.1213T>C on transcript NM_001080449.3 (MANE Select); coding-DNA position 1213, T replaced by C.
Protein change: p.Tyr405His; replaces tyrosine 405 with histidine.
Molecular consequence: missense variant. On other transcripts: non-coding transcript variant (1).
Genome position (GRCh38, 1-based): chr10:68,444,928, A>G on the plus strand (T>C on the coding strand, the complement: DNA2 is on the minus strand). VCF-style: chr10-68444928-A-G. GRCh37 (hg19) VCF-style: chr10-70204685-A-G.
Other names: short protein forms Y405H.
Identifiers: ClinVar variation 1698835 (VCV001698835.6), dbSNP rs2133402393, ClinGen allele CA376862434.